The following is an entry in ClinVar:

NM_032119.4(ADGRV1):c.12592G>T (p.Val4198Leu)

Gene: ADGRV1 (adhesion G protein-coupled receptor V1; plus strand). Cytogenetic location: 5q14.3.
Variant type: single nucleotide variant.
Coding change: c.12592G>T on transcript NM_032119.4 (MANE Select); coding-DNA position 12592, G replaced by T.
Protein change: p.Val4198Leu; replaces valine 4198 with leucine.
Molecular consequence: missense variant. On other transcripts: non-coding transcript variant (1).
Genome position (GRCh38, 1-based): chr5:90,777,969, G>T. VCF-style: chr5-90777969-G-T. GRCh37 (hg19) VCF-style: chr5-90073786-G-T.
Other names: short protein forms V4198L.
Identifiers: ClinVar variation 1348540 (VCV001348540.6), dbSNP rs2460169, ClinGen allele CA3341292.

ClinVar aggregate classification (germline): Uncertain significance (1 of 4 stars; one submission).

gnomAD v4.1: 2 of 1,610,536 alleles (0.00012%); highest among the groups gnomAD compares: South Asian, 0.0022%; no homozygotes.

Submission:

Labcorp Genetics (formerly Invitae), Labcorp
Classification: Uncertain significance. Last evaluated: 2021-11-01. Review status: criteria provided, single submitter. Criteria: Invitae Variant Classification Sherloc (09022015). Collection method: clinical testing. Allele origin: germline.
Comment: In summary, the available evidence is currently insufficient to determine the role of this variant in disease. Therefore, it has been classified as a Variant of Uncertain Significance. Algorithms developed to predict the effect of missense changes on protein structure and function output the following: SIFT: "Tolerated"; PolyPhen-2: "Benign"; Align-GVGD: "Class C0". The leucine amino acid residue is found in multiple mammalian species, which suggests that this missense change does not adversely affect protein function. This variant has not been reported in the literature in individuals affected with ADGRV1-related conditions. This variant is present in population databases (rs2460169, gnomAD 0.003%). This sequence change replaces valine, which is neutral and non-polar, with leucine, which is neutral and non-polar, at codon 4198 of the ADGRV1 protein (p.Val4198Leu).